The following is an entry in ClinVar:

NM_001371596.2(MFSD8):c.1161G>C (p.Trp387Cys)

Gene: MFSD8 (major facilitator superfamily domain containing 8; minus strand). Cytogenetic location: 4q28.2.
Variant type: single nucleotide variant.
Coding change: c.1161G>C on transcript NM_001371596.2 (MANE Select); coding-DNA position 1161, G replaced by C.
Protein change: p.Trp387Cys; replaces tryptophan 387 with cysteine.
Molecular consequence: missense variant.
Genome position (GRCh38, 1-based): chr4:127,921,713, C>G on the plus strand (G>C on the coding strand, the complement: MFSD8 is on the minus strand). VCF-style: chr4-127921713-C-G. GRCh37 (hg19) VCF-style: chr4-128842868-C-G.
Other names: c.960G>C, p.Trp320Cys (NM_001363520.3); c.846G>C, p.Trp282Cys (NM_001363521.3); c.1026G>C, p.Trp342Cys (NM_001371590.2); c.1161G>C, p.Trp387Cys (NM_001371591.2, NM_152778.4); c.1167G>C, p.Trp389Cys (NM_001371592.2); c.1047G>C, p.Trp349Cys (NM_001371593.2); c.1014G>C, p.Trp338Cys (NM_001371594.2); c.879G>C, p.Trp293Cys (NM_001371595.1); and 2 more; short protein forms W389C, W320C, W349C, W387C, W338C, W237C, W282C, W293C.
Identifiers: ClinVar variation 2077803 (VCV002077803.4), dbSNP rs2546047103, ClinGen allele CA358171362.
Genomic context (GRCh38, chr4:127,921,713, plus strand): 5'-CCAGGCTTGTTCAATCGAGCAACCAGTTGGTCTTTCATTGTCATCTTCCATTGGAGACTT[C>G]CAAAGACCAATAATAATTTCCCCAAATGTGGTATTAGGGATTGAATTATTGTGCAAATCT-3'
Protein context (NP_001358525.1, residues 377-397): TTFGEIIIGL[Trp387Cys]KSPMEDDNER

ClinVar aggregate classification (germline): Uncertain significance (1 of 4 stars; one submission).

Conditions:
Neuronal ceroid lipofuscinosis 7 (CLN7). Also called: MFSD8-Related Neuronal Ceroid-Lipofuscinosis. Identifiers: Orphanet 168491, Orphanet 228366, MedGen C1838571, MONDO:0012588, OMIM 610951.

Allele frequency attached by ClinVar (database versions not stated): gnomAD exomes below 0.00001.
gnomAD v4.1: 2 of 1,614,104 alleles (0.00012%); highest among the groups gnomAD compares: Non-Finnish European, 0.000085%; no homozygotes.

Submission:

Labcorp Genetics (formerly Invitae), Labcorp
Classification: Uncertain significance for Neuronal ceroid lipofuscinosis 7. Last evaluated: 2022-01-03. Review status: criteria provided, single submitter. Criteria: Invitae Variant Classification Sherloc (09022015). Collection method: clinical testing. Allele origin: germline.
Comment: In summary, the available evidence is currently insufficient to determine the role of this variant in disease. Therefore, it has been classified as a Variant of Uncertain Significance. Algorithms developed to predict the effect of missense changes on protein structure and function output the following: SIFT: "Tolerated"; PolyPhen-2: "Benign"; Align-GVGD: "Class C0". The cysteine amino acid residue is found in multiple mammalian species, which suggests that this missense change does not adversely affect protein function. This variant has not been reported in the literature in individuals affected with MFSD8-related conditions. This variant is not present in population databases (gnomAD no frequency). This sequence change replaces tryptophan, which is neutral and slightly polar, with cysteine, which is neutral and slightly polar, at codon 387 of the MFSD8 protein (p.Trp387Cys).